The following is an entry in ClinVar:

NM_003873.7(NRP1):c.1507G>T (p.Gly503Trp)

Gene: NRP1 (neuropilin 1; minus strand). Cytogenetic location: 10p11.22.
Variant type: single nucleotide variant.
Coding change: c.1507G>T on transcript NM_003873.7 (MANE Select); coding-DNA position 1507, G replaced by T.
Protein change: p.Gly503Trp; replaces glycine 503 with tryptophan.
Molecular consequence: missense variant. On other transcripts: non-coding transcript variant (1).
Genome position (GRCh38, 1-based): chr10:33,213,493, C>A on the plus strand (G>T on the coding strand, the complement: NRP1 is on the minus strand). VCF-style: chr10-33213493-C-A. GRCh37 (hg19) VCF-style: chr10-33502421-C-A.
Other names: c.1507G>T, p.Gly503Trp (NM_001024628.3, NM_001024629.3, NM_001244972.2 and 2 more transcripts); short protein forms G503W.
Identifiers: ClinVar variation 3358144 (VCV003358144.1).
Genomic context (GRCh38, chr10:33,213,493, plus strand): 5'-CGTTGTTGCTGTACCCGATCTTGAACTTCCTCATGAACACCTTGTTCTCTCGGTGCTTCC[C>A]ACCCTGAATGATGATGCCCCTCACGATCTTCTCCTCCCCCAGGTCTATTTGGAGCCACTC-3'
Protein context (NP_003864.5, residues 493-513): KIVRGIIIQG[Gly503Trp]KHRENKVFMR

ClinVar aggregate classification (germline): Uncertain significance (0 of 4 stars; one submission).

Conditions:
NRP1-related disorder. Also called: NRP1-related condition.

gnomAD v4.1: 6 of 1,614,084 alleles (0.00037%); highest among the groups gnomAD compares: Non-Finnish European, 0.00051%; no homozygotes.

Submission:

PreventionGenetics, part of Exact Sciences
Classification: Uncertain significance for NRP1-related condition. Last evaluated: 2024-08-16. Review status: no assertion criteria provided. Collection method: clinical testing. Allele origin: germline.
Comment: The NRP1 c.1507G>T variant is predicted to result in the amino acid substitution p.Gly503Trp. To our knowledge, this variant has not been reported in the literature or in a large population database, indicating this variant is rare. At this time, the clinical significance of this variant is uncertain due to the absence of conclusive functional and genetic evidence.